The following is an entry in ClinVar:

ClinVar aggregate classification (germline): Uncertain significance (1 of 4 stars; one submission).

Allele frequency attached by ClinVar (database versions not stated): gnomAD exomes 0.00002.
gnomAD v4.1: 23 of 1,612,928 alleles (0.0014%); highest among the groups gnomAD compares: Non-Finnish European, 0.0019%; no homozygotes.

Submission:

Labcorp Genetics (formerly Invitae), Labcorp
Classification: Uncertain significance. Last evaluated: 2024-08-13. Review status: criteria provided, single submitter. Criteria: Invitae Variant Classification Sherloc (09022015). Collection method: clinical testing. Allele origin: germline.
Comment: This sequence change replaces threonine, which is neutral and polar, with isoleucine, which is neutral and non-polar, at codon 576 of the GRM1 protein (p.Thr576Ile). This variant is present in population databases (rs760106769, gnomAD 0.002%). This variant has not been reported in the literature in individuals affected with GRM1-related conditions. An algorithm developed to predict the effect of missense changes on protein structure and function (PolyPhen-2) suggests that this variant is likely to be tolerated. In summary, the available evidence is currently insufficient to determine the role of this variant in disease. Therefore, it has been classified as a Variant of Uncertain Significance.

NM_001278064.2(GRM1):c.1727C>T (p.Thr576Ile)

Gene: GRM1 (glutamate metabotropic receptor 1; plus strand). Cytogenetic location: 6q24.3.
Variant type: single nucleotide variant.
Coding change: c.1727C>T on transcript NM_001278064.2 (MANE Select); coding-DNA position 1727, C replaced by T.
Protein change: p.Thr576Ile; replaces threonine 576 with isoleucine.
Molecular consequence: missense variant.
Genome position (GRCh38, 1-based): chr6:146,387,014, C>T. VCF-style: chr6-146387014-C-T. GRCh37 (hg19) VCF-style: chr6-146708150-C-T.
Other names: c.1727C>T, p.Thr576Ile (NM_001278065.2, NM_001278066.1, NM_001278067.1); short protein forms T576I.
Identifiers: ClinVar variation 2981417 (VCV002981417.3), dbSNP rs760106769, ClinGen allele CA4037347.